The following is an entry in ClinVar:

NM_000043.6(FAS):c.*978C>T

Gene: FAS (Fas cell surface death receptor; plus strand). Cytogenetic location: 10q23.31.
Variant type: single nucleotide variant.
Coding change: c.*978C>T on transcript NM_000043.6 (MANE Select); 978 bases downstream of the stop codon, C replaced by T.
Molecular consequence: 3 prime UTR variant. On other transcripts: non-coding transcript variant (7).
Genome position (GRCh38, 1-based): chr10:89,015,428, C>T. VCF-style: chr10-89015428-C-T. GRCh37 (hg19) VCF-style: chr10-90775185-C-T.
Other names: c.*1309C>T (NM_001320619.2); c.*978C>T (NM_152871.4); c.*1298C>T (NM_152872.4).
Identifiers: ClinVar variation 301543 (VCV000301543.5), dbSNP rs181225729, ClinGen allele CA10632816.
Genomic context (GRCh38, chr10:89,015,428, plus strand): 5'-TCATGAACCCATGTTTGCAATCAAAGATGATAAAATAGATTCTTATTTTTCCCCCACCCC[C>T]GAAAATGTTCAATAATGTCCCATGTAAAACCTGCTACAAATGGCAGCTTATACATAGCAA-3'

ClinVar aggregate classification (germline): Likely benign (1 of 4 stars; one submission).

Conditions:
Autoimmune lymphoproliferative syndrome type 1. Also called: AUTOIMMUNE LYMPHOPROLIFERATIVE SYNDROME, TYPE I, AUTOSOMAL DOMINANT. Identifiers: Orphanet 3261, MedGen C2717884, MONDO:0011158, OMIM 601859.

Allele frequency attached by ClinVar (database versions not stated): gnomAD exomes 0.00005 and 0.00006; gnomAD 0.00032; TOPMed 0.00040; 1000 Genomes Project 0.00040; 1000 Genomes Project 30x 0.00047.
gnomAD v4.1: 83 of 531,580 alleles (0.016%); highest among the groups gnomAD compares: African/African-American, 0.12%; no homozygotes.

Submission:

Illumina Laboratory Services, Illumina
Classification: Likely benign for Autoimmune lymphoproliferative syndrome type 1. Last evaluated: 2017-04-27. Review status: criteria provided, single submitter. Criteria: ICSL Variant Classification Criteria 13 December 2019. Collection method: clinical testing. Allele origin: germline.
Comment: This variant was observed as part of a predisposition screen in an ostensibly healthy population. A literature search was performed for the gene, cDNA change, and amino acid change (where applicable). Publications were found based on this search. The evidence from the literature, in combination with allele frequency data from public databases where available, was sufficient to determine this variant is unlikely to cause disease. Therefore, this variant is classified as likely benign.

Literature cited by the submitters: PubMed 21625619.